The following is an entry in ClinVar:

ClinVar aggregate classification (germline): Uncertain significance (1 of 4 stars; one submission).

Conditions:
Fanconi anemia (FA). Also called: Fanconi's anemia. Identifiers: Orphanet 84, MedGen C0015625, MeSH D005199, MONDO:0019391.

Allele frequency attached by ClinVar (database versions not stated): gnomAD 0.00001 and 0.00002; gnomAD exomes 0.00001; TOPMed 0.00001.
gnomAD v4.1: 23 of 1,614,212 alleles (0.0014%); highest among the groups gnomAD compares: African/African-American, 0.017%; no homozygotes.

Submission:

Labcorp Genetics (formerly Invitae), Labcorp
Classification: Uncertain significance for Fanconi anemia. Last evaluated: 2022-09-07. Review status: criteria provided, single submitter. Criteria: Invitae Variant Classification Sherloc (09022015). Collection method: clinical testing. Allele origin: germline.
Comment: This sequence change replaces serine, which is neutral and polar, with asparagine, which is neutral and polar, at codon 393 of the SLX4 protein (p.Ser393Asn). This variant is not present in population databases (gnomAD no frequency). This variant has not been reported in the literature in individuals affected with SLX4-related conditions. ClinVar contains an entry for this variant (Variation ID: 1488227). Algorithms developed to predict the effect of missense changes on protein structure and function (SIFT, PolyPhen-2, Align-GVGD) all suggest that this variant is likely to be tolerated. In summary, the available evidence is currently insufficient to determine the role of this variant in disease. Therefore, it has been classified as a Variant of Uncertain Significance.

NM_032444.4(SLX4):c.1178G>A (p.Ser393Asn)

Gene: SLX4 (SLX4 structure-specific endonuclease subunit; minus strand). Cytogenetic location: 16p13.3.
Variant type: single nucleotide variant.
Coding change: c.1178G>A on transcript NM_032444.4 (MANE Select); coding-DNA position 1178, G replaced by A.
Protein change: p.Ser393Asn; replaces serine 393 with asparagine.
Molecular consequence: missense variant.
Genome position (GRCh38, 1-based): chr16:3,597,985, C>T on the plus strand (G>A on the coding strand, the complement: SLX4 is on the minus strand). VCF-style: chr16-3597985-C-T. GRCh37 (hg19) VCF-style: chr16-3647986-C-T.
Other names: short protein forms S393N.
Identifiers: ClinVar variation 1488227 (VCV001488227.3), dbSNP rs112301713, ClinGen allele CA276964813.